The following is an entry in ClinVar:

NM_005045.4(RELN):c.9329G>A (p.Arg3110Gln)

Genes: RELN (reelin; minus strand), SLC26A5-AS1 (SLC26A5 antisense RNA 1; plus strand). Cytogenetic location: 7q22.1.
Variant type: single nucleotide variant.
Coding change: c.9329G>A on transcript NM_005045.4 (MANE Select); coding-DNA position 9329, G replaced by A.
Protein change: p.Arg3110Gln; replaces arginine 3110 with glutamine.
Molecular consequence: missense variant.
Genome position (GRCh38, 1-based): chr7:103,495,763, C>T on the plus strand (G>A on the coding strand, the complement: RELN is on the minus strand). VCF-style: chr7-103495763-C-T. GRCh37 (hg19) VCF-style: chr7-103136210-C-T.
Other names: c.9329G>A, p.Arg3110Gln (NM_173054.3); short protein forms R3110Q.
Identifiers: ClinVar variation 167576 (VCV000167576.18), dbSNP rs368572382, ClinGen allele CA234776.

ClinVar aggregate classification (germline): Conflicting classifications of pathogenicity. Review status: criteria provided, conflicting classifications (1 of 4 stars). 6 submissions from 6 submitters: Uncertain significance (4); Likely benign (1). 1 of the submissions does not count toward it. Last evaluated 2025-09-21.

Conditions:
RELN-related disorder. Also called: RELN-related condition.
Familial temporal lobe epilepsy 7. Identifiers: Orphanet 101046, MedGen C4225327, MONDO:0014639, OMIM 616436.
Norman-Roberts syndrome (LIS2). Also called: Lissencephaly 2 (Norman-Roberts type). Identifiers: Orphanet 89844, MedGen C0796089, MONDO:0009760, OMIM 257320.
Epilepsy, familial temporal lobe, 1. Identifiers: Orphanet 101046, MedGen CN030884, MONDO:0700090, OMIM 600512.

Allele frequency attached by ClinVar (database versions not stated): ExAC 0.00008; gnomAD exomes 0.00009 and 0.00017; gnomAD 0.00014 and 0.00015; 1000 Genomes Project 0.00020; 1000 Genomes Project 30x 0.00016; ESP Exome Variant Server 0.00008; TOPMed 0.00018.
gnomAD v4.1: 264 of 1,613,942 alleles (0.016%); highest among the groups gnomAD compares: Non-Finnish European, 0.02%; no homozygotes.

Submissions (6):

Labcorp Genetics (formerly Invitae), Labcorp
Classification: Likely benign for Familial temporal lobe epilepsy 7; Norman-Roberts syndrome. Last evaluated: 2025-09-21. Review status: criteria provided, single submitter. Criteria: Invitae Variant Classification Sherloc (09022015). Collection method: clinical testing. Allele origin: germline.

Women's Health and Genetics/Laboratory Corporation of America, LabCorp
Classification: Uncertain significance. Last evaluated: 2024-09-24. Review status: criteria provided, single submitter. Criteria: LabCorp Variant Classification Summary - May 2015. Collection method: clinical testing. Allele origin: germline.
Comment: Variant summary: RELN c.9329G>A (p.Arg3110Gln) results in a conservative amino acid change in the encoded protein sequence. Three of five in-silico tools predict a benign effect of the variant on protein function. The variant allele was found at a frequency of 8.8e-05 in 251288 control chromosomes (gnomAD). c.9329G>A has been reported in the literature in an individual affected with an unspecified neurodevelopmental disorder (Wang_2020). This report does not provide unequivocal conclusions about association of the variant with Epilepsy Familial Temporal Lobe 7. To our knowledge, no experimental evidence demonstrating an impact on protein function has been reported. The following publication has been ascertained in the context of this evaluation (PMID: 33004838). ClinVar contains an entry for this variant (Variation ID: 167576). Based on the evidence outlined above, the variant was classified as uncertain significance.

GeneDx
Classification: Uncertain significance. Last evaluated: 2024-04-15. Review status: criteria provided, single submitter. Criteria: GeneDx Variant Classification Process June 2021. Collection method: clinical testing. Allele origin: germline. Affected: yes.
Comment: In silico analysis indicates that this missense variant does not alter protein structure/function; Reported as a paternally inherited variant in one individual from a large neurodevelopmental disorder cohort in published literature; detailed clinical information was not provided (PMID: 33004838); This variant is associated with the following publications: (PMID: 33004838)

Fulgent Genetics
Classification: Uncertain significance for Norman-Roberts syndrome; Epilepsy, familial temporal lobe, 1; Familial temporal lobe epilepsy 7. Last evaluated: 2022-03-16. Review status: criteria provided, single submitter. Criteria: ACMG Guidelines, 2015. Collection method: clinical testing. Allele origin: unknown.

Eurofins Ntd Llc (ga)
Classification: Uncertain significance. Last evaluated: 2014-03-03. Review status: criteria provided, single submitter. Criteria: EGL Classification Definitions 2015. Collection method: clinical testing. Allele origin: germline. Observed: 1 variant allele, 1 heterozygote.

PreventionGenetics, part of Exact Sciences
Classification: Uncertain significance for RELN-related condition. Last evaluated: 2024-04-08. Review status: no assertion criteria provided. Collection method: clinical testing. Allele origin: germline. Not counted in ClinVar's aggregate classification.
Comment: The RELN c.9329G>A variant is predicted to result in the amino acid substitution p.Arg3110Gln. This variant was reported in an individual with a neurodevelopmental disorder; however no additional evidence supported its pathogenicity (Table S5, Wang et al. 2020. PubMed ID: 33004838). This variant is reported in 0.016% of alleles in individuals of European (Non-Finnish) descent in gnomAD, which is higher than expected for an unreported pathogenic variant in this gene. At this time, the clinical significance of this variant is uncertain due to the absence of conclusive functional and genetic evidence.

Literature cited by the submitters: PubMed 33004838 (cited by Women's Health and Genetics/Laboratory Corporation of America, LabCorp).